The following is an entry in ClinVar:

ClinVar aggregate classification (germline): Uncertain significance (1 of 4 stars; one submission).

Conditions:
Becker muscular dystrophy (BMD). Also called: MUSCULAR DYSTROPHY, PSEUDOHYPERTROPHIC PROGRESSIVE, BECKER TYPE; Becker Muscular Dystrophy (BMD). Identifiers: Orphanet 98895, MedGen C0917713, MONDO:0010311, OMIM 300376.
Duchenne muscular dystrophy (DMD). Also called: MUSCULAR DYSTROPHY, PSEUDOHYPERTROPHIC PROGRESSIVE, DUCHENNE TYPE; Duchenne Muscular Dystrophy (DMD). Identifiers: Orphanet 98896, MedGen C0013264, MONDO:0010679, OMIM 310200.

Submission:

Hunan Provincial Maternal and Child Health Care Hospital
Classification: Uncertain significance for Duchenne muscular dystrophy; Becker muscular dystrophy. Last evaluated: 2024-07-01. Review status: criteria provided, single submitter. Criteria: ACMG/ClinGen CNV Guidelines, 2019. Collection method: clinical testing. Allele origin: maternal. Inheritance: X-linked recessive inheritance.
Comment: This is a 3.13 Mb duplication at Xp21.2p21.1 that encompasses the DMD gene (OMIM: 300377; NM_000109.4) including exons 1–60 and the 5′ intergenic region. No similar duplications have been reported in association with DMD/BMD in the HGMD public database. According to the ClinGen Dosage Sensitivity Map, DMD has a triplosensitivity score of 0 (no evidence for dosage pathogenicity). In DECIPHER, several cases with overlapping duplications have been reported in individuals with intellectual disability and epilepsy. No comparable duplications were found in the Database of Genomic Variants (DGV). Based on ACMG/ClinGen CNV criteria, this duplication is currently best classified as a Variant of Uncertain Significance (VUS).

GRCh37/hg19 Xp21.2-21.1(chrX:31385522-34518624)x2

Genes: FAM47A (family with sequence similarity 47 member A; minus strand), DMD (dystrophin; minus strand). Cytogenetic location: Xp21.2-21.1.
Variant type: copy number gain.
Change: copy number 2 of chrX:31,385,522-34,518,624 (3.13 Mb, GRCh37 coordinates, 1-based), cytogenetic band Xp21.2-21.1.
Identifiers: ClinVar variation 4277357 (VCV004277357.1).